The following is an entry in ClinVar:

NM_003482.4(KMT2D):c.14009A>T (p.Glu4670Val)

Gene: KMT2D (lysine methyltransferase 2D; minus strand). Cytogenetic location: 12q13.12.
Variant type: single nucleotide variant.
Coding change: c.14009A>T on transcript NM_003482.4 (MANE Select); coding-DNA position 14009, A replaced by T.
Protein change: p.Glu4670Val; replaces glutamic acid 4670 with valine.
Molecular consequence: missense variant.
Genome position (GRCh38, 1-based): chr12:49,029,467, T>A on the plus strand (A>T on the coding strand, the complement: KMT2D is on the minus strand). VCF-style: chr12-49029467-T-A. GRCh37 (hg19) VCF-style: chr12-49423250-T-A.
Other names: short protein forms E4670V.
Identifiers: ClinVar variation 1304728 (VCV001304728.7), dbSNP rs2120398228, ClinGen allele CA384699822.

ClinVar aggregate classification (germline): Uncertain significance. Review status: criteria provided, multiple submitters, no conflicts (2 of 4 stars). 3 submissions from 3 submitters: Uncertain significance (3). Last evaluated 2024-02-07.

Conditions:
Kabuki syndrome 1 (KABUK1). Also called: KMT2D-Related Kabuki Syndrome. Identifiers: Orphanet 2322, MedGen CN030661, MONDO:0007843, OMIM 147920.
Choanal atresia-athelia-hypothyroidism-delayed puberty-short stature syndrome (BCAHH). Also called: BRANCHIAL ARCH ABNORMALITIES, CHOANAL ATRESIA, ATHELIA, HEARING LOSS, AND HYPOTHYROIDISM SYNDROME. Identifiers: Orphanet 589856, MedGen C5680310, MONDO:0035651, OMIM 620186.
Kabuki syndrome. Also called: NIIKAWA-KUROKI SYNDROME; Kabuki make-up syndrome. Identifiers: Orphanet 2322, MedGen C0796004, MONDO:0016512.

Submissions (3):

Fulgent Genetics
Classification: Uncertain significance for Kabuki syndrome 1; Choanal atresia-athelia-hypothyroidism-delayed puberty-short stature syndrome. Last evaluated: 2024-02-07. Review status: criteria provided, single submitter. Criteria: ACMG Guidelines, 2015. Collection method: clinical testing. Allele origin: germline.

Labcorp Genetics (formerly Invitae), Labcorp
Classification: Uncertain significance for Kabuki syndrome. Last evaluated: 2022-04-19. Review status: criteria provided, single submitter. Criteria: Invitae Variant Classification Sherloc (09022015). Collection method: clinical testing. Allele origin: germline.
Comment: In summary, the available evidence is currently insufficient to determine the role of this variant in disease. Therefore, it has been classified as a Variant of Uncertain Significance. Advanced modeling of protein sequence and biophysical properties (such as structural, functional, and spatial information, amino acid conservation, physicochemical variation, residue mobility, and thermodynamic stability) performed at Invitae indicates that this missense variant is not expected to disrupt KMT2D protein function. ClinVar contains an entry for this variant (Variation ID: 1304728). This variant has not been reported in the literature in individuals affected with KMT2D-related conditions. This variant is not present in population databases (gnomAD no frequency). This sequence change replaces glutamic acid, which is acidic and polar, with valine, which is neutral and non-polar, at codon 4670 of the KMT2D protein (p.Glu4670Val).

GeneDx
Classification: Uncertain significance. Last evaluated: 2019-03-18. Review status: criteria provided, single submitter. Criteria: GeneDx Variant Classification Process June 2021. Collection method: clinical testing. Allele origin: germline. Affected: yes.
Comment: Not observed in large population cohorts (Lek et al., 2016); In silico analysis, which includes protein predictors and evolutionary conservation, supports a deleterious effect; Has not been previously published as pathogenic or benign to our knowledge